The following is an entry in ClinVar:

NM_019098.5(CNGB3):c.2007A>C (p.Lys669Asn)

Gene: CNGB3 (cyclic nucleotide gated channel subunit beta 3; minus strand). Cytogenetic location: 8q21.3.
Variant type: single nucleotide variant.
Coding change: c.2007A>C on transcript NM_019098.5 (MANE Select); coding-DNA position 2007, A replaced by C.
Protein change: p.Lys669Asn; replaces lysine 669 with asparagine.
Molecular consequence: missense variant.
Genome position (GRCh38, 1-based): chr8:86,578,785, T>G on the plus strand (A>C on the coding strand, the complement: CNGB3 is on the minus strand). VCF-style: chr8-86578785-T-G. GRCh37 (hg19) VCF-style: chr8-87591013-T-G.
Other names: short protein forms K669N.
Identifiers: ClinVar variation 2158940 (VCV002158940.2), dbSNP rs147991883, ClinGen allele CA371447412.

ClinVar aggregate classification (germline): Uncertain significance. Review status: criteria provided, multiple submitters, no conflicts (2 of 4 stars). 2 submissions from 2 submitters: Uncertain significance (2). Last evaluated 2022-07-20.

gnomAD v4.1: 31 of 1,614,054 alleles (0.0019%); highest among the groups gnomAD compares: Non-Finnish European, 0.0026%; no homozygotes.

Submissions (2):

Labcorp Genetics (formerly Invitae), Labcorp
Classification: Uncertain significance. Last evaluated: 2022-07-20. Review status: criteria provided, single submitter. Criteria: Invitae Variant Classification Sherloc (09022015). Collection method: clinical testing. Allele origin: germline.
Comment: This sequence change replaces lysine, which is basic and polar, with asparagine, which is neutral and polar, at codon 669 of the CNGB3 protein (p.Lys669Asn). This variant is not present in population databases (gnomAD no frequency). This variant has not been reported in the literature in individuals affected with CNGB3-related conditions. Advanced modeling of protein sequence and biophysical properties (such as structural, functional, and spatial information, amino acid conservation, physicochemical variation, residue mobility, and thermodynamic stability) performed at Invitae indicates that this missense variant is not expected to disrupt CNGB3 protein function. In summary, the available evidence is currently insufficient to determine the role of this variant in disease. Therefore, it has been classified as a Variant of Uncertain Significance.

Blueprint Genetics
Classification: Uncertain significance. Last evaluated: 2021-07-30. Review status: criteria provided, single submitter. Criteria: ACMG Guidelines, 2015. Collection method: clinical testing. Allele origin: germline.